The following is an entry in ClinVar:

NM_053025.4(MYLK):c.2463-12C>A

Gene: MYLK (myosin light chain kinase; minus strand). Cytogenetic location: 3q21.1.
Variant type: single nucleotide variant.
Coding change: c.2463-12C>A on transcript NM_053025.4 (MANE Select); 12 bases into the intron before coding-DNA position 2463, C replaced by A.
Molecular consequence: intron variant.
Genome position (GRCh38, 1-based): chr3:123,701,017, G>T on the plus strand (C>A on the coding strand, the complement: MYLK is on the minus strand). VCF-style: chr3-123701017-G-T. GRCh37 (hg19) VCF-style: chr3-123419864-G-T.
Other names: c.1935-12C>A (NM_001321309.2); c.2256-12C>A (NM_053028.4, NM_053026.4); c.2463-12C>A (NM_053027.4).
Identifiers: ClinVar variation 2141930 (VCV002141930.5), dbSNP rs368116696, ClinGen allele CA82925648.
Genomic context (GRCh38, chr3:123,701,017, plus strand): 5'-ACCAACTCCTCCACCACAGAGGTCCTCGCAGCTGGCAGGCTCCCTCCCCCTGCAACCAGT[G>T]TAGGGAAAAAGGAAAGTAGCAGGAGGAAAAGGGGCTGGGTAAGAAAGAAACTTCAGGGGA-3'

ClinVar aggregate classification (germline): Conflicting classifications of pathogenicity. Review status: criteria provided, conflicting classifications (1 of 4 stars). 2 submissions from 2 submitters: Uncertain significance (1); Likely benign (1). Last evaluated 2025-01-08.

Conditions:
Aortic aneurysm, familial thoracic 7 (AAT7). Also called: AORTIC DISSECTION, FAMILIAL, WITH OR WITHOUT AORTIC ANEURYSM. Identifiers: MedGen C3151077, MONDO:0013418, OMIM 613780.

Allele frequency attached by ClinVar (database versions not stated): TOPMed below 0.00001; ESP Exome Variant Server 0.00008.
gnomAD v4.1: 14 of 1,594,752 alleles (0.00088%); highest among the groups gnomAD compares: Non-Finnish European, 0.001%; no homozygotes.

Submissions (2):

Labcorp Genetics (formerly Invitae), Labcorp
Classification: Likely benign for Aortic aneurysm, familial thoracic 7. Last evaluated: 2025-01-08. Review status: criteria provided, single submitter. Criteria: Invitae Variant Classification Sherloc (09022015). Collection method: clinical testing. Allele origin: germline.

GeneDx
Classification: Uncertain significance. Last evaluated: 2022-11-30. Review status: criteria provided, single submitter. Criteria: GeneDx Variant Classification Process June 2021. Collection method: clinical testing. Allele origin: germline. Affected: yes.
Comment: Not observed at significant frequency in large population cohorts (gnomAD); In silico analysis supports that this variant does not alter splicing; Has not been previously published as pathogenic or benign to our knowledge